The following is an entry in ClinVar:

NM_001127222.2(CACNA1A):c.5701C>T (p.Arg1901Cys)

Gene: CACNA1A (calcium voltage-gated channel subunit alpha1 A; minus strand). Cytogenetic location: 19p13.13.
Variant type: single nucleotide variant.
Coding change: c.5701C>T on transcript NM_001127222.2 (MANE Select); coding-DNA position 5701, C replaced by T.
Protein change: p.Arg1901Cys; replaces arginine 1901 with cysteine.
Molecular consequence: missense variant.
Genome position (GRCh38, 1-based): chr19:13,224,697, G>A on the plus strand (C>T on the coding strand, the complement: CACNA1A is on the minus strand). VCF-style: chr19-13224697-G-A. GRCh37 (hg19) VCF-style: chr19-13335511-G-A.
Other names: c.5719C>T, p.Arg1907Cys (NM_000068.4, NM_023035.3); c.5704C>T, p.Arg1902Cys (NM_001127221.2); c.5710C>T, p.Arg1904Cys (NM_001174080.2); short protein forms R1901C, R1902C, R1904C, R1907C.
Identifiers: ClinVar variation 4822886 (VCV004822886.4).

ClinVar aggregate classification (germline): Uncertain significance (1 of 4 stars; one submission).

Submission:

CeGaT Center for Human Genetics Tuebingen
Classification: Uncertain significance. Last evaluated: 2026-01-01. Review status: criteria provided, single submitter. Criteria: CeGaT Center For Human Genetics Tuebingen Variant Classification Criteria Version 2. Collection method: clinical testing. Allele origin: germline. Affected: yes. Observed: 1 variant allele.
Comment: CACNA1A: PM2, PP3